The following is an entry in ClinVar:

NM_006231.4(POLE):c.3907A>G (p.Arg1303Gly)

Gene: POLE (DNA polymerase epsilon, catalytic subunit; minus strand). Cytogenetic location: 12q24.33.
Variant type: single nucleotide variant.
Coding change: c.3907A>G on transcript NM_006231.4 (MANE Select); coding-DNA position 3907, A replaced by G.
Protein change: p.Arg1303Gly; replaces arginine 1303 with glycine.
Molecular consequence: missense variant.
Genome position (GRCh38, 1-based): chr12:132,649,404, T>C on the plus strand (A>G on the coding strand, the complement: POLE is on the minus strand). VCF-style: chr12-132649404-T-C. GRCh37 (hg19) VCF-style: chr12-133225990-T-C.
Other names: c.3907A>G (NM_006231.2); short protein forms R1303G.
Identifiers: ClinVar variation 1484182 (VCV001484182.10), dbSNP rs2138607529, ClinGen allele CA387385174.

ClinVar aggregate classification (germline): Uncertain significance. Review status: criteria provided, multiple submitters, no conflicts (2 of 4 stars). 2 submissions from 2 submitters: Uncertain significance (2). Last evaluated 2023-02-28.

Conditions:
Hereditary cancer-predisposing syndrome. Also called: Hereditary neoplastic syndrome; Neoplastic Syndromes, Hereditary; Hereditary Cancer Syndrome; Tumor predisposition. Identifiers: Orphanet 140162, MedGen C0027672, MeSH D009386, MONDO:0015356.

Submissions (2):

Ambry Genetics
Classification: Uncertain significance for Hereditary cancer-predisposing syndrome. Last evaluated: 2023-02-28. Review status: criteria provided, single submitter. Criteria: Ambry Variant Classification Scheme 2023. Collection method: clinical testing. Allele origin: germline.
Comment: The p.R1303G variant (also known as c.3907A>G), located in coding exon 31 of the POLE gene, results from an A to G substitution at nucleotide position 3907. The arginine at codon 1303 is replaced by glycine, an amino acid with dissimilar properties. This amino acid position is conserved. In addition, this alteration is predicted to be tolerated by in silico analysis. Since supporting evidence is limited at this time, the clinical significance of this alteration remains unclear.

Labcorp Genetics (formerly Invitae), Labcorp
Classification: Uncertain significance. Last evaluated: 2022-07-05. Review status: criteria provided, single submitter. Criteria: Invitae Variant Classification Sherloc (09022015). Collection method: clinical testing. Allele origin: germline.
Comment: This variant is not present in population databases (gnomAD no frequency). In summary, the available evidence is currently insufficient to determine the role of this variant in disease. Therefore, it has been classified as a Variant of Uncertain Significance. Algorithms developed to predict the effect of missense changes on protein structure and function output the following: SIFT: "Tolerated"; PolyPhen-2: "Benign"; Align-GVGD: "Class C0". The glycine amino acid residue is found in multiple mammalian species, which suggests that this missense change does not adversely affect protein function. ClinVar contains an entry for this variant (Variation ID: 1484182). This variant has not been reported in the literature in individuals affected with POLE-related conditions. This sequence change replaces arginine, which is basic and polar, with glycine, which is neutral and non-polar, at codon 1303 of the POLE protein (p.Arg1303Gly).